The following is an entry in ClinVar:

ClinVar aggregate classification (germline): Uncertain significance (1 of 4 stars; one submission).

Submission:

CeGaT Center for Human Genetics Tuebingen
Classification: Uncertain significance. Last evaluated: 2022-09-01. Review status: criteria provided, single submitter. Criteria: CeGaT Center For Human Genetics Tuebingen Variant Classification Criteria Version 2. Collection method: clinical testing. Allele origin: germline. Affected: yes. Observed: 1 variant allele.
Comment: AP4B1: PM2, BP4

NM_001253852.3(AP4B1):c.1918G>T (p.Val640Phe)

Genes: AP4B1 (adaptor related protein complex 4 subunit beta 1; minus strand), AP4B1-AS1 (AP4B1 antisense RNA 1; plus strand). Cytogenetic location: 1p13.2.
Variant type: single nucleotide variant.
Coding change: c.1918G>T on transcript NM_001253852.3 (MANE Select); coding-DNA position 1918, G replaced by T.
Protein change: p.Val640Phe; replaces valine 640 with phenylalanine.
Molecular consequence: missense variant.
Genome position (GRCh38, 1-based): chr1:113,895,367, C>A on the plus strand (G>T on the coding strand, the complement: AP4B1 is on the minus strand). VCF-style: chr1-113895367-C-A. GRCh37 (hg19) VCF-style: chr1-114437989-C-A.
Other names: c.1621G>T, p.Val541Phe (NM_001253853.3); c.1414G>T, p.Val472Phe (NM_001308312.2); c.1918G>T, p.Val640Phe (NM_006594.5); short protein forms V472F, V541F, V640F.
Identifiers: ClinVar variation 2639003 (VCV002639003.24), dbSNP rs2526482684, ClinGen allele CA341706971.